The following is an entry in ClinVar:

ClinVar aggregate classification (germline): Uncertain significance. Review status: criteria provided, multiple submitters, no conflicts (2 of 4 stars). 2 submissions from 2 submitters: Uncertain significance (2). Last evaluated 2024-11-27.

Conditions:
Nonsyndromic congenital nail disorder 8. Also called: TOENAIL DYSTROPHY, ISOLATED. Identifiers: MedGen C1843761, MONDO:0011852, OMIM 607523.
Recessive dystrophic epidermolysis bullosa (RDEB). Also called: severe generalized recessive dystrophic epidermolysis bullosa; EPIDERMOLYSIS BULLOSA DYSTROPHICA, GENERALIZED SEVERE, AUTOSOMAL RECESSIVE; DYSTROPHIC EPIDERMOLYSIS BULLOSA, AUTOSOMAL RECESSIVE; EPIDERMOLYSIS BULLOSA DYSTROPHICA, HALLOPEAU-SIEMENS TYPE; epidermolysis bullosa dystrophica, autosomal recessive; Recessive DEB (RDEB). Identifiers: Orphanet 79408, Orphanet 79409, MedGen C0079474, MONDO:0009179, OMIM 226600.
Dominant dystrophic epidermolysis bullosa with absence of skin. Also called: EPIDERMOLYSIS BULLOSA WITH CONGENITAL LOCALIZED ABSENCE OF SKIN AND DEFORMITY OF NAILS; EPIDERMOLYSIS BULLOSA DYSTROPHICA, BART TYPE. Identifiers: MedGen C0268371, MONDO:0007557, OMIM 132000.
Generalized dominant dystrophic epidermolysis bullosa (DDEB). Also called: Dominant DEB (DDEB); DDEB, generalized; DDEB-gen; DYSTROPHIC EPIDERMOLYSIS BULLOSA, AUTOSOMAL DOMINANT; Epidermolysis bullosa dystrophica, autosomal dominant. Identifiers: Orphanet 231568, MedGen C0432322, MONDO:0007549, OMIM 131750.
Epidermolysis bullosa pruriginosa. Also called: DEB, PRURIGINOSA; DYSTROPHIC EPIDERMOLYSIS BULLOSA PRURIGINOSA. Identifiers: Orphanet 89843, MedGen C1275114, MONDO:0011398, OMIM 604129.
Transient bullous dermolysis of the newborn (TBDN). Also called: DYSTROPHIC EPIDERMOLYSIS BULLOSA, NEONATAL; EPIDERMOLYSIS BULLOSA DYSTROPHICA, NEONATAL FORM. Identifiers: Orphanet 79411, MedGen C1851573, MONDO:0007548, OMIM 131705.
Pretibial dystrophic epidermolysis bullosa. Also called: Pretibial epidermolysis bullosa; EPIDERMOLYSIS BULLOSA DYSTROPHICA, PRETIBIAL; Pretibial blistering. Identifiers: Orphanet 79410, MedGen C0432321, MONDO:0007552, OMIM 131850, HP:0012221.

Submissions (2):

Labcorp Genetics (formerly Invitae), Labcorp
Classification: Uncertain significance. Last evaluated: 2024-11-27. Review status: criteria provided, single submitter. Criteria: Invitae Variant Classification Sherloc (09022015). Collection method: clinical testing. Allele origin: germline.
Comment: This variant, c.3951_3959dup, results in the insertion of 3 amino acid(s) of the COL7A1 protein (p.Thr1318_Gly1320dup), but otherwise preserves the integrity of the reading frame. This variant is not present in population databases (gnomAD no frequency). This variant has not been reported in the literature in individuals affected with COL7A1-related conditions. Experimental studies and prediction algorithms are not available or were not evaluated, and the functional significance of this variant is currently unknown. In summary, the available evidence is currently insufficient to determine the role of this variant in disease. Therefore, it has been classified as a Variant of Uncertain Significance.

Fulgent Genetics
Classification: Uncertain significance for Transient bullous dermolysis of the newborn; Generalized dominant dystrophic epidermolysis bullosa; Pretibial dystrophic epidermolysis bullosa; Dominant dystrophic epidermolysis bullosa with absence of skin; Recessive dystrophic epidermolysis bullosa; Epidermolysis bullosa pruriginosa; Nonsyndromic congenital nail disorder 8. Last evaluated: 2024-06-16. Review status: criteria provided, single submitter. Criteria: ACMG Guidelines, 2015. Collection method: clinical testing. Allele origin: germline.

NM_000094.4(COL7A1):c.3951_3959dup (p.Gly1320_Ala1321insThrProGly)

Gene: COL7A1 (collagen type VII alpha 1 chain; minus strand). Cytogenetic location: 3p21.31.
Variant type: Duplication.
Coding change: c.3951_3959dup on transcript NM_000094.4 (MANE Select); coding-DNA positions 3951 to 3959, 9 bases duplicated (GACCCCTGG; older notation c.3951_3959dupGACCCCTGG).
Protein change: p.Gly1320_Ala1321insThrProGly.
Genome position (GRCh38, 1-based): chr3:48,585,052-48,585,060, CCAGGGGTC duplicated on the plus strand (GACCCCTGG on the coding strand, the reverse complement: COL7A1 is on the minus strand); duplicating any 9 consecutive bases within chr3:48,585,052-48,585,065 gives the same sequence; the c. name uses the placement nearest the transcript's 3' end. VCF-style (leftmost placement, unchanged base first): chr3-48585051-T-TCCAGGGGTC. GRCh37 (hg19) VCF-style: chr3-48622484-T-TCCAGGGGTC.
Identifiers: ClinVar variation 3589279 (VCV003589279.3).